The following is an entry in ClinVar:

ClinVar aggregate classification (germline): Pathogenic. Review status: criteria provided, multiple submitters, no conflicts (2 of 4 stars). 2 submissions from 2 submitters: Pathogenic (2). Last evaluated 2026-08-19.

Conditions:
Hereditary breast ovarian cancer syndrome. Also called: Hereditary breast and ovarian cancer syndrome; Hereditary breast and/or ovarian cancer syndrome; Breast and ovarian cancer; BRCA1- and BRCA2-Associated Hereditary Breast and Ovarian Cancer; Hereditary breast and ovarian cancer; Hereditary breast and ovarian cancer syndrome (HBOC). Identifiers: Orphanet 145, MedGen C0677776, MeSH D061325, MONDO:0003582. Disease mechanism: loss of function.
Hereditary cancer-predisposing syndrome. Also called: Neoplastic Syndromes, Hereditary; Hereditary Cancer Syndrome; Tumor predisposition; Hereditary neoplastic syndrome. Identifiers: Orphanet 140162, MedGen C0027672, MeSH D009386, MONDO:0015356.

Submissions (2):

Ambry Genetics
Classification: Pathogenic for Hereditary cancer-predisposing syndrome. Last evaluated: 2026-08-19. Review status: criteria provided, single submitter. Criteria: Ambry Variant Classification Scheme 2023. Collection method: clinical testing. Allele origin: germline.
Comment: The c.6807delT pathogenic mutation, located in coding exon 10 of the BRCA2 gene, results from a deletion of one nucleotide at nucleotide position 6807, causing a translational frameshift with a predicted alternate stop codon (p.I2269Mfs*11). This variant is considered to be rare based on population cohorts in the Genome Aggregation Database (gnomAD). This alteration is expected to result in loss of function by premature protein truncation or nonsense-mediated mRNA decay. As such, this alteration is interpreted as a disease-causing mutation.

Labcorp Genetics (formerly Invitae), Labcorp
Classification: Pathogenic for Hereditary breast ovarian cancer syndrome. Last evaluated: 2019-07-22. Review status: criteria provided, single submitter. Criteria: Invitae Variant Classification Sherloc (09022015). Collection method: clinical testing. Allele origin: germline.
Comment: This sequence change creates a premature translational stop signal (p.Ile2269Metfs*11) in the BRCA2 gene. It is expected to result in an absent or disrupted protein product. This variant is not present in population databases (ExAC no frequency). This variant has not been reported in the literature in individuals with BRCA2-related conditions. Loss-of-function variants in BRCA2 are known to be pathogenic (PMID: 20104584). For these reasons, this variant has been classified as Pathogenic.

Literature cited by the submitters: PubMed 20104584 (cited by Labcorp Genetics (formerly Invitae), Labcorp).

NM_000059.4(BRCA2):c.6807del (p.Ile2269fs)

Gene: BRCA2 (BRCA2 DNA repair associated; plus strand). Cytogenetic location: 13q13.1.
Variant type: Deletion.
Coding change: c.6807del on transcript NM_000059.4 (MANE Select); coding-DNA position 6807, one base deleted (T; older notation c.6807delT).
Protein change: p.Ile2269fs; shifts the reading frame from isoleucine 2269.
Molecular consequence: frameshift variant.
Genome position (GRCh38, 1-based): chr13:32,341,162, T deleted; the last of 2 consecutive T bases (chr13:32,341,161-32,341,162); deleting either gives the same sequence. VCF-style (leftmost placement, unchanged base first): chr13-32341160-AT-A. GRCh37 (hg19) VCF-style: chr13-32915297-AT-A.
Other names: c.6807delT (NM_000059.3); short protein forms I2269fs.
Identifiers: ClinVar variation 947639 (VCV000947639.9), dbSNP rs2072565736, ClinGen allele CA1139663140.